The following is an entry in ClinVar:

ClinVar aggregate classification (germline): Conflicting classifications of pathogenicity. Review status: criteria provided, conflicting classifications (1 of 4 stars). 5 submissions from 5 submitters: Uncertain significance (2); Likely benign (3). Last evaluated 2025-12-01.

Conditions:
Inborn genetic diseases. Identifiers: MedGen C0950123, MeSH D030342.

Allele frequency attached by ClinVar (database versions not stated): TOPMed 0.00264; gnomAD 0.00268 and 0.00281.
gnomAD v4.1: 4,205 of 971,252 alleles (0.43%); highest among the groups gnomAD compares: Non-Finnish European, 0.5%; 9 homozygotes.

Submissions (5):

CeGaT Center for Human Genetics Tuebingen
Classification: Likely benign. Last evaluated: 2025-12-01. Review status: criteria provided, single submitter. Criteria: CeGaT Center For Human Genetics Tuebingen Variant Classification Criteria Version 2. Collection method: clinical testing. Allele origin: germline. Affected: yes. Observed: 4 variant alleles.
Comment: TPRN: BS2

Ambry Genetics
Classification: Uncertain significance for Inborn genetic diseases. Last evaluated: 2025-04-07. Review status: criteria provided, single submitter. Criteria: Ambry Variant Classification Scheme 2023. Collection method: clinical testing. Allele origin: germline.

Labcorp Genetics (formerly Invitae), Labcorp
Classification: Uncertain significance. Last evaluated: 2025-01-06. Review status: criteria provided, single submitter. Criteria: Invitae Variant Classification Sherloc (09022015). Collection method: clinical testing. Allele origin: germline.
Comment: This sequence change replaces proline, which is neutral and non-polar, with arginine, which is basic and polar, at codon 157 of the TPRN protein (p.Pro157Arg). The frequency data for this variant in the population databases is considered unreliable, as metrics indicate poor data quality at this position in the gnomAD database. This variant has not been reported in the literature in individuals affected with TPRN-related conditions. ClinVar contains an entry for this variant (Variation ID: 430108). An algorithm developed to predict the effect of missense changes on protein structure and function (PolyPhen-2) suggests that this variant¬†is likely to be tolerated. In summary, the available evidence is currently insufficient to determine the role of this variant in disease. Therefore, it has been classified as a Variant of Uncertain Significance.

Blueprint Genetics
Classification: Likely benign. Last evaluated: 2024-11-27. Review status: criteria provided, single submitter. Criteria: ACMG Guidelines, 2015. Collection method: clinical testing. Allele origin: germline.

GeneDx
Classification: Likely benign. Last evaluated: 2021-03-12. Review status: criteria provided, single submitter. Criteria: GeneDx Variant Classification Process June 2021. Collection method: clinical testing. Allele origin: germline. Affected: yes.

NM_001128228.3(TPRN):c.470C>G (p.Pro157Arg)

Gene: TPRN (taperin; minus strand). Cytogenetic location: 9q34.3.
Variant type: single nucleotide variant.
Coding change: c.470C>G on transcript NM_001128228.3 (MANE Select); coding-DNA position 470, C replaced by G.
Protein change: p.Pro157Arg; replaces proline 157 with arginine.
Molecular consequence: missense variant.
Genome position (GRCh38, 1-based): chr9:137,200,242, G>C on the plus strand (C>G on the coding strand, the complement: TPRN is on the minus strand). VCF-style: chr9-137200242-G-C. GRCh37 (hg19) VCF-style: chr9-140094694-G-C.
Other names: short protein forms P157R.
Identifiers: ClinVar variation 430108 (VCV000430108.23), dbSNP rs914939520, ClinGen allele CA201721348.